The following is an entry in ClinVar:

NM_000179.3(MSH6):c.1963T>A (p.Leu655Ile)

Gene: MSH6 (mutS homolog 6; plus strand). Cytogenetic location: 2p16.3.
Variant type: single nucleotide variant.
Coding change: c.1963T>A on transcript NM_000179.3 (MANE Select); coding-DNA position 1963, T replaced by A.
Protein change: p.Leu655Ile; replaces leucine 655 with isoleucine.
Molecular consequence: missense variant.
Genome position (GRCh38, 1-based): chr2:47,799,946, T>A. VCF-style: chr2-47799946-T-A. GRCh37 (hg19) VCF-style: chr2-48027085-T-A.
Other names: c.1573T>A, p.Leu525Ile (NM_001281492.2); c.1057T>A, p.Leu353Ile (NM_001281493.2, NM_001281494.2); short protein forms L655I, L353I, L525I.
Identifiers: ClinVar variation 187096 (VCV000187096.14), dbSNP rs786203468, ClinGen allele CA009498.
Genomic context (GRCh38, chr2:47,799,946, plus strand): 5'-AGAACTCTCCTTGAGGAAGAATATTTTAGGGAAAAGCTAAGTGATGGCATTGGGGTGATG[T>A]TACCCCAGGTGCTTAAAGGTATGACTTCAGAGTCTGATTCCATTGGGTTGACACCAGGAG-3'
Protein context (NP_000170.1, residues 645-665): EKLSDGIGVM[Leu655Ile]PQVLKGMTSE

ClinVar aggregate classification (germline): Uncertain significance. Review status: criteria provided, multiple submitters, no conflicts (2 of 4 stars). 2 submissions from 2 submitters: Uncertain significance (2). Last evaluated 2020-10-14.

Conditions:
Hereditary cancer-predisposing syndrome. Also called: Neoplastic Syndromes, Hereditary; Tumor predisposition; Hereditary Cancer Syndrome; Hereditary neoplastic syndrome. Identifiers: Orphanet 140162, MedGen C0027672, MeSH D009386, MONDO:0015356.
Hereditary nonpolyposis colorectal neoplasms. Identifiers: MedGen C0009405, MeSH D003123.

Submissions (2):

Labcorp Genetics (formerly Invitae), Labcorp
Classification: Uncertain significance for Hereditary nonpolyposis colorectal neoplasms. Last evaluated: 2020-10-14. Review status: criteria provided, single submitter. Criteria: Invitae Variant Classification Sherloc (09022015). Collection method: clinical testing. Allele origin: germline.
Comment: In summary, the available evidence is currently insufficient to determine the role of this variant in disease. Therefore, it has been classified as a Variant of Uncertain Significance. Algorithms developed to predict the effect of missense changes on protein structure and function are either unavailable or do not agree on the potential impact of this missense change (SIFT: "Tolerated"; PolyPhen-2: "Probably Damaging"; Align-GVGD: "Class C0"). This variant has not been reported in the literature in individuals with MSH6-related conditions. ClinVar contains an entry for this variant (Variation ID: 187096). This variant is not present in population databases (ExAC no frequency). This sequence change replaces leucine with isoleucine at codon 655 of the MSH6 protein (p.Leu655Ile). The leucine residue is moderately conserved and there is a small physicochemical difference between leucine and isoleucine.

Ambry Genetics
Classification: Uncertain significance for Hereditary cancer-predisposing syndrome. Last evaluated: 2014-11-10. Review status: criteria provided, single submitter. Criteria: Ambry Variant Classification Scheme 2023. Collection method: clinical testing. Allele origin: germline.
Comment: The p.L655I variant (also known as c.1963T>A), located in coding exon 4 of the MSH6 gene, results from a T to A substitution at nucleotide position 1963. The leucine at codon 655 is replaced by isoleucine, an amino acid with highly similar properties. This variant was not reported in population based cohorts in the following databases: Database of Single Nucleotide Polymorphisms (dbSNP), NHLBI Exome Sequencing Project (ESP), and 1000 Genomes Project. In the ESP, this variant was not observed in 6503 samples (13006 alleles) with coverage at this position. To date, this alteration has been detected with an allele frequency of approximately 0.004% (greater than 24000 alleles tested) in our clinical cohort. This amino acid position is well conserved in available vertebrate species. This alteration is predicted to be possibly damaging and tolerated by PolyPhen and SIFT in silico analyses, respectively. In addition, the CoDP in silico tool predicts this alteration to have minor impact on molecular function, with a score of 0.365 (Terui H et al. J. Biomed. Sci. 2013;20:25). Since supporting evidence is limited at this time, the clinical significance of p.L655I remains unclear.